The following is an entry in ClinVar:

ClinVar aggregate classification (germline): Benign. Review status: criteria provided, multiple submitters, no conflicts (2 of 4 stars). 3 submissions from 2 submitters: Benign (3). Last evaluated 2018-01-12.

Conditions:
Autosomal recessive osteopetrosis 7. Identifiers: Orphanet 178389, MedGen C2676766, MONDO:0012859, OMIM 612301.
Paget disease of bone 2, early-onset (PDB2). Also called: Paget disease of bone 2. Identifiers: MedGen C4085251, MONDO:0011183, OMIM 602080.

Allele frequency attached by ClinVar (database versions not stated): 1000 Genomes Project 0.08846; 1000 Genomes Project 30x 0.09072; TOPMed 0.17584; gnomAD 0.17847 and 0.18364.

Submissions (3):

Illumina Laboratory Services, Illumina
Classification: Benign for Paget disease of bone 2, early-onset. Last evaluated: 2018-01-12. Review status: criteria provided, single submitter. Criteria: ICSL Variant Classification Criteria 13 December 2019. Collection method: clinical testing. Allele origin: germline.
Comment: This variant was observed in the ICSL laboratory as part of a predisposition screen in an ostensibly healthy population. It had not been previously curated by ICSL or reported in the Human Gene Mutation Database (HGMD: prior to June 1st, 2018), and was therefore a candidate for classification through an automated scoring system. Utilizing variant allele frequency, disease prevalence and penetrance estimates, and inheritance mode, an automated score was calculated to assess if this variant is too frequent to cause the disease. Based on the score and internal cut-off values, a variant classified as benign is not then subjected to further curation. The score for this variant resulted in a classification of benign for this disease.

Illumina Laboratory Services, Illumina
Classification: Benign for Autosomal recessive osteopetrosis 7. Last evaluated: 2018-01-12. Review status: criteria provided, single submitter. Criteria: ICSL Variant Classification Criteria 13 December 2019. Collection method: clinical testing. Allele origin: germline.
Comment: the same text as in the submission from Illumina Laboratory Services, Illumina above.

Breakthrough Genomics
Classification: Benign. Review status: criteria provided, single submitter. Criteria: ACMG Guidelines, 2015. Collection method: not provided. Allele origin: germline. Inheritance: Autosomal recessive inheritance. Affected: yes.

NM_003839.4(TNFRSF11A):c.*1624G>C

Gene: TNFRSF11A (TNF receptor superfamily member 11a; plus strand). Cytogenetic location: 18q21.33.
Variant type: single nucleotide variant.
Coding change: c.*1624G>C on transcript NM_003839.4 (MANE Select); 1624 bases downstream of the stop codon, G replaced by C.
Molecular consequence: 3 prime UTR variant.
Genome position (GRCh38, 1-based): chr18:62,386,658, G>C. VCF-style: chr18-62386658-G-C. GRCh37 (hg19) VCF-style: chr18-60053891-G-C.
Other names: c.*1899G>C (NM_001270949.2); c.*1624G>C (NM_001270950.2, NM_001270951.2, NM_001278268.2).
Identifiers: ClinVar variation 889186 (VCV000889186.5), dbSNP rs12455323, ClinGen allele CA14520547.